The following is an entry in ClinVar:

ClinVar aggregate classification (germline): Uncertain significance (1 of 4 stars; one submission).

Conditions:
Hypertrophic cardiomyopathy 26. Also called: Cardiomyopathy, familial hypertrophic, 26. Identifiers: Orphanet 75249, MedGen C4310749, MONDO:0014883, OMIM 617047.
Myofibrillar myopathy 5. Also called: Filaminopathy (type); FILAMINOPATHY, AUTOSOMAL DOMINANT. Identifiers: Orphanet 171445, MedGen C1836050, MONDO:0012289, OMIM 609524.
Distal myopathy with posterior leg and anterior hand involvement. Also called: WILLIAMS DISTAL MYOPATHY. Identifiers: Orphanet 63273, MedGen C3279722, MONDO:0013550, OMIM 614065.

Submission:

Labcorp Genetics (formerly Invitae), Labcorp
Classification: Uncertain significance for Distal myopathy with posterior leg and anterior hand involvement; Myofibrillar myopathy 5; Hypertrophic cardiomyopathy 26. Last evaluated: 2025-11-09. Review status: criteria provided, single submitter. Criteria: Invitae Variant Classification Sherloc (09022015). Collection method: clinical testing. Allele origin: germline.
Comment: This sequence change falls in intron 26 of the FLNC gene. It does not directly change the encoded amino acid sequence of the FLNC protein. It affects a nucleotide within the consensus splice site. This variant is not present in population databases (gnomAD no frequency). This variant has not been reported in the literature in individuals affected with FLNC-related conditions. Variants that disrupt the consensus splice site are a relatively common cause of aberrant splicing (PMID: 17576681, 9536098). Algorithms developed to predict the effect of sequence changes on RNA splicing suggest that this variant may disrupt the consensus splice site. In summary, the available evidence is currently insufficient to determine the role of this variant in disease. Therefore, it has been classified as a Variant of Uncertain Significance.

Literature cited by the submitters: PubMed 17576681; PubMed 9536098.

NM_001458.5(FLNC):c.4581-3A>G

Gene: FLNC (filamin C; plus strand). Cytogenetic location: 7q32.1.
Variant type: single nucleotide variant.
Coding change: c.4581-3A>G on transcript NM_001458.5 (MANE Select); 3 bases into the intron before coding-DNA position 4581, A replaced by G.
Molecular consequence: intron variant.
Genome position (GRCh38, 1-based): chr7:128,848,558, A>G. VCF-style: chr7-128848558-A-G. GRCh37 (hg19) VCF-style: chr7-128488612-A-G.
Other names: c.4581-3A>G (NM_001127487.2).
Identifiers: ClinVar variation 4812547 (VCV004812547.1).
Genomic context (GRCh38, chr7:128,848,558, plus strand): 5'-GATCACCCCCCACCGCCCCGTCCATGCCACCCAGCCAACTGTTTATCCCTTCTGCTCCTC[A>G]AGCCCCTTCAAGATCAAGGTCCTCCCAGCTCATGATGCCAGCAAGGTGCGGGCCAGCGGC-3'